The following is an entry in ClinVar:

NM_016284.5(CNOT1):c.4124C>T (p.Thr1375Ile)

Gene: CNOT1 (CCR4-NOT transcription complex subunit 1; minus strand). Cytogenetic location: 16q21.
Variant type: single nucleotide variant.
Coding change: c.4124C>T on transcript NM_016284.5 (MANE Select); coding-DNA position 4124, C replaced by T.
Protein change: p.Thr1375Ile; replaces threonine 1375 with isoleucine.
Molecular consequence: missense variant. On other transcripts: non-coding transcript variant (1).
Genome position (GRCh38, 1-based): chr16:58,545,374, G>A on the plus strand (C>T on the coding strand, the complement: CNOT1 is on the minus strand). VCF-style: chr16-58545374-G-A. GRCh37 (hg19) VCF-style: chr16-58579278-G-A.
Other names: c.4109C>T, p.Thr1370Ile (NM_001265612.2); c.4124C>T, p.Thr1375Ile (NM_206999.3); short protein forms T1370I, T1375I.
Identifiers: ClinVar variation 3383524 (VCV003383524.1).
Genomic context (GRCh38, chr16:58,545,374, plus strand): 5'-CCTTATCACAAACTAGAAGCTGGGAGAATGGAGCAGTGTTTACTTACTGTTGGATTCAGA[G>A]TAATGTGTGGTGCCAAGCCCGCAAGGGAATAGACATTGATGTCGTGGTAGCTGTACTGTG-3'
Protein context (NP_057368.3, residues 1365-1385): YSLAGLAPHI[Thr1375Ile]LNPTIPLFQA

ClinVar aggregate classification (germline): Uncertain significance (1 of 4 stars; one submission).

Submission:

GeneDx
Classification: Uncertain significance. Last evaluated: 2024-05-04. Review status: criteria provided, single submitter. Criteria: GeneDx Variant Classification Process June 2021. Collection method: clinical testing. Allele origin: germline. Affected: yes.
Comment: Not observed at significant frequency in large population cohorts (gnomAD); In silico analysis indicates that this missense variant does not alter protein structure/function; Has not been previously published as pathogenic or benign to our knowledge